The following is an entry in ClinVar:

NM_025099.6(CTC1):c.2278G>A (p.Ala760Thr)

Gene: CTC1 (CST telomere replication complex component 1; minus strand). Cytogenetic location: 17p13.1.
Variant type: single nucleotide variant.
Coding change: c.2278G>A on transcript NM_025099.6 (MANE Select); coding-DNA position 2278, G replaced by A.
Protein change: p.Ala760Thr; replaces alanine 760 with threonine.
Molecular consequence: missense variant. On other transcripts: non-coding transcript variant (1).
Genome position (GRCh38, 1-based): chr17:8,232,010, C>T on the plus strand (G>A on the coding strand, the complement: CTC1 is on the minus strand). VCF-style: chr17-8232010-C-T. GRCh37 (hg19) VCF-style: chr17-8135328-C-T.
Other names: p.Ala760Thr; short protein forms A760T.
Identifiers: ClinVar variation 652060 (VCV000652060.14), dbSNP rs139078502, ClinGen allele CA8372127.

ClinVar aggregate classification (germline): Conflicting classifications of pathogenicity. Review status: criteria provided, conflicting classifications (1 of 4 stars). 6 submissions from 6 submitters: Uncertain significance (3); Likely benign (3). Last evaluated 2025-12-08.

Conditions:
Dyskeratosis congenita. Identifiers: Orphanet 1775, MedGen C0265965, MONDO:0015780.
Cerebroretinal microangiopathy with calcifications and cysts 1 (CRMCC1). Identifiers: Orphanet 313838, MedGen C4552029, MONDO:0024564, OMIM 612199.

Allele frequency attached by ClinVar (database versions not stated): TOPMed 0.00009; ExAC 0.00011; gnomAD exomes 0.00011; 1000 Genomes Project 30x 0.00031; 1000 Genomes Project 0.00040; gnomAD 0.00007 and 0.00009.
gnomAD v4.1: 91 of 1,602,130 alleles (0.0057%); highest among the groups gnomAD compares: East Asian, 0.065%; 1 homozygote.

Submissions (6):

Labcorp Genetics (formerly Invitae), Labcorp
Classification: Uncertain significance for Dyskeratosis congenita. Last evaluated: 2025-12-08. Review status: criteria provided, single submitter. Criteria: Invitae Variant Classification Sherloc (09022015). Collection method: clinical testing. Allele origin: germline.
Comment: This sequence change replaces alanine, which is neutral and non-polar, with threonine, which is neutral and polar, at codon 760 of the CTC1 protein (p.Ala760Thr). This variant is present in population databases (rs139078502, gnomAD 0.04%). This variant has not been reported in the literature in individuals affected with CTC1-related conditions. ClinVar contains an entry for this variant (Variation ID: 652060). Invitae Evidence Modeling of protein sequence and biophysical properties (such as structural, functional, and spatial information, amino acid conservation, physicochemical variation, residue mobility, and thermodynamic stability) indicates that this missense variant is not expected to disrupt CTC1 protein function with a negative predictive value of 80%. In summary, the available evidence is currently insufficient to determine the role of this variant in disease. Therefore, it has been classified as a Variant of Uncertain Significance.

Mayo Clinic Laboratories, Mayo Clinic
Classification: Uncertain significance. Last evaluated: 2025-10-09. Review status: criteria provided, single submitter. Criteria: ACMG Guidelines, 2015. Collection method: clinical testing. Allele origin: germline. Observed: 1 variant allele.
Comment: BP4_moderate

Blueprint Genetics
Classification: Likely benign. Last evaluated: 2024-10-15. Review status: criteria provided, single submitter. Criteria: ACMG Guidelines, 2015. Collection method: clinical testing. Allele origin: germline.

Sema4
Classification: Uncertain significance for Dyskeratosis congenita. Last evaluated: 2021-12-23. Review status: criteria provided, single submitter. Criteria: Sema4 Curation Guidelines. Collection method: curation. Allele origin: germline.
Comment: The CTC1 c.2278G>A (p.A760T) variant has not been reported in the literature to our knowledge. This variant was observed in 27/266586 chromosomes in the large and broad cohorts of the Genome Aggregation Database (PMID: (PMID: 32461654). This variant has been reported in ClinVar (Variation ID 652060). Functional studies have not been performed, and in silico predictions of the variant's effect on protein function are inconclusive. The overall evidence is insufficient to meet ACMG/AMP criteria for classifying it as benign or pathogenic. In summary, the clinical significance of this variant is currently uncertain.

Genome-Nilou Lab
Classification: Likely benign for Cerebroretinal microangiopathy with calcifications and cysts 1. Last evaluated: 2021-07-15. Review status: criteria provided, single submitter. Criteria: ACMG Guidelines, 2015. Collection method: clinical testing. Allele origin: germline. Affected: no.

Centre for Mendelian Genomics, University Medical Centre Ljubljana
Classification: Likely benign for Cerebroretinal microangiopathy with calcifications and cysts 1. Last evaluated: 2019-04-09. Review status: criteria provided, single submitter. Criteria: ACMG Guidelines, 2015. Collection method: clinical testing. Allele origin: unknown. Affected: yes.
Comment: This variant was classified as: Likely benign. The following ACMG criteria were applied in classifying this variant: BS1,BP4.